The following is an entry in ClinVar:

NM_030665.4(RAI1):c.2333G>T (p.Gly778Val)

Gene: RAI1 (retinoic acid induced 1; plus strand). Cytogenetic location: 17p11.2.
Variant type: single nucleotide variant.
Coding change: c.2333G>T on transcript NM_030665.4 (MANE Select); coding-DNA position 2333, G replaced by T.
Protein change: p.Gly778Val; replaces glycine 778 with valine.
Molecular consequence: missense variant.
Genome position (GRCh38, 1-based): chr17:17,795,281, G>T. VCF-style: chr17-17795281-G-T. GRCh37 (hg19) VCF-style: chr17-17698595-G-T.
Other names: short protein forms G778V.
Identifiers: ClinVar variation 3347483 (VCV003347483.1).
Genomic context (GRCh38, chr17:17,795,281, plus strand): 5'-GGGGATTGCACCCTGGCGAGCTTACCAAGGGCCTGGAGCAGGGTGGGAAGGCCTCAGATG[G>T]CATCAGCAAAGGGGACACCCATGAGGCTTCGGCCTGCCTGGGCTTCCAGGAGGAGGACCC-3'
Protein context (NP_109590.3, residues 768-788): GLEQGGKASD[Gly778Val]ISKGDTHEAS

ClinVar aggregate classification (germline): Uncertain significance (0 of 4 stars; one submission).

Conditions:
RAI1-related disorder. Also called: RAI1-related condition.

Submission:

PreventionGenetics, part of Exact Sciences
Classification: Uncertain significance for RAI1-related condition. Last evaluated: 2024-09-13. Review status: no assertion criteria provided. Collection method: clinical testing. Allele origin: germline.
Comment: The RAI1 c.2333G>T variant is predicted to result in the amino acid substitution p.Gly778Val. To our knowledge, this variant has not been reported in the literature or in a large population database, indicating this variant is rare. At this time, the clinical significance of this variant is uncertain due to the absence of conclusive functional and genetic evidence.